The following is an entry in ClinVar:

NM_001166108.2(PALLD):c.2762T>C (p.Ile921Thr)

Genes: CBR4 (carbonyl reductase 4; minus strand), PALLD (palladin, cytoskeletal associated protein; plus strand). Cytogenetic location: 4q32.3.
Variant type: single nucleotide variant.
Coding change: c.2762T>C on transcript NM_001166108.2 (MANE Select); coding-DNA position 2762, T replaced by C.
Protein change: p.Ile921Thr; replaces isoleucine 921 with threonine.
Molecular consequence: missense variant.
Genome position (GRCh38, 1-based): chr4:168,915,939, T>C. VCF-style: chr4-168915939-T-C. GRCh37 (hg19) VCF-style: chr4-169837090-T-C.
Other names: c.1565T>C, p.Ile522Thr (NM_001166109.2); c.1250T>C, p.Ile417Thr (NM_001166110.2); c.590T>C, p.Ile197Thr (NM_001367567.1, NM_001367569.1); c.641T>C, p.Ile214Thr (NM_001367568.1, NM_001367570.1); c.2711T>C, p.Ile904Thr (NM_016081.4); short protein forms I417T, I921T, I197T, I214T, I522T, I904T.
Identifiers: ClinVar variation 2563420 (VCV002563420.2), dbSNP rs958874337, ClinGen allele CA109855871.

ClinVar aggregate classification (germline): Uncertain significance (1 of 4 stars; one submission).

Allele frequency attached by ClinVar (database versions not stated): gnomAD exomes below 0.00001; TOPMed below 0.00001.
gnomAD v4.1: 1 of 1,613,466 alleles (0.000062%); highest among the groups gnomAD compares: Non-Finnish European, 0.000085%; no homozygotes.

Submission:

Ambry Genetics
Classification: Uncertain significance. Last evaluated: 2023-05-18. Review status: criteria provided, single submitter. Criteria: Ambry Variant Classification Scheme 2023. Collection method: clinical testing. Allele origin: germline.
Comment: The p.I904T variant (also known as c.2711T>C), located in coding exon 15 of the PALLD gene, results from a T to C substitution at nucleotide position 2711. The isoleucine at codon 904 is replaced by threonine, an amino acid with similar properties. This amino acid position is conserved. In addition, this alteration is predicted to be tolerated by in silico analysis. Since supporting evidence is limited at this time, the clinical significance of this alteration remains unclear.